The following is an entry in ClinVar:

NM_033026.6(PCLO):c.2743G>A (p.Ala915Thr)

Gene: PCLO (piccolo presynaptic cytomatrix protein; minus strand). Cytogenetic location: 7q21.11.
Variant type: single nucleotide variant.
Coding change: c.2743G>A on transcript NM_033026.6 (MANE Select); coding-DNA position 2743, G replaced by A.
Protein change: p.Ala915Thr; replaces alanine 915 with threonine.
Molecular consequence: missense variant.
Genome position (GRCh38, 1-based): chr7:83,134,807, C>T on the plus strand (G>A on the coding strand, the complement: PCLO is on the minus strand). VCF-style: chr7-83134807-C-T. GRCh37 (hg19) VCF-style: chr7-82764123-C-T.
Other names: c.2743G>A, p.Ala915Thr (NM_014510.3); c.2743G>A (NM_033026.5); short protein forms A915T.
Identifiers: ClinVar variation 1465245 (VCV001465245.7), dbSNP rs574502381, ClinGen allele CA4321205.

ClinVar aggregate classification (germline): Uncertain significance. Review status: criteria provided, multiple submitters, no conflicts (2 of 4 stars). 2 submissions from 2 submitters: Uncertain significance (2). Last evaluated 2023-11-06.

Conditions:
Inborn genetic diseases. Identifiers: MedGen C0950123, MeSH D030342.

Allele frequency attached by ClinVar (database versions not stated): gnomAD 0.00003 and 0.00004; TOPMed 0.00003; ExAC 0.00004; 1000 Genomes Project 0.00020; 1000 Genomes Project 30x 0.00047.
gnomAD v4.1: 28 of 1,613,680 alleles (0.0017%); highest among the groups gnomAD compares: East Asian, 0.036%; no homozygotes.

Submissions (2):

Ambry Genetics
Classification: Uncertain significance for Inborn genetic diseases. Last evaluated: 2023-11-06. Review status: criteria provided, single submitter. Criteria: Ambry Variant Classification Scheme 2023. Collection method: clinical testing. Allele origin: germline.

Labcorp Genetics (formerly Invitae), Labcorp
Classification: Uncertain significance. Last evaluated: 2023-08-02. Review status: criteria provided, single submitter. Criteria: Invitae Variant Classification Sherloc (09022015). Collection method: clinical testing. Allele origin: germline.
Comment: ClinVar contains an entry for this variant (Variation ID: 1465245). In summary, the available evidence is currently insufficient to determine the role of this variant in disease. Therefore, it has been classified as a Variant of Uncertain Significance. Algorithms developed to predict the effect of missense changes on protein structure and function output the following: SIFT: "Not Available"; PolyPhen-2: "Not Available"; Align-GVGD: "Not Available". The threonine amino acid residue is found in multiple mammalian species, which suggests that this missense change does not adversely affect protein function. This variant has not been reported in the literature in individuals affected with PCLO-related conditions. This variant is present in population databases (rs574502381, gnomAD 0.03%). This sequence change replaces alanine, which is neutral and non-polar, with threonine, which is neutral and polar, at codon 915 of the PCLO protein (p.Ala915Thr).